The following is an entry in ClinVar:

ClinVar aggregate classification (germline): Uncertain significance (1 of 4 stars; one submission).

Conditions:
Multiple epiphyseal dysplasia type 4 (EDM4). Also called: Multiple Epiphyseal Dysplasia, Recessive; MULTIPLE EPIPHYSEAL DYSPLASIA WITH BILAYERED PATELLAE; MULTIPLE EPIPHYSEAL DYSPLASIA WITH CLUBFOOT; MULTIPLE EPIPHYSEAL DYSPLASIA, AUTOSOMAL RECESSIVE; SLC26A2-Related Multiple Epiphyseal Dysplasia. Identifiers: Orphanet 93307, MedGen C1847593, MONDO:0009189, OMIM 226900.
Achondrogenesis, type IB (ACG1B). Also called: Achondrogenesis Type 1B. Identifiers: Orphanet 932, Orphanet 93298, MedGen C0265274, MONDO:0010966, OMIM 600972.
Atelosteogenesis type II (AO2). Also called: NEONATAL OSSEOUS DYSPLASIA I; Neonatal osseous dysplasia 1; SLC26A2-Related Atelosteogenesis. Identifiers: Orphanet 56304, MedGen C1850554, MONDO:0009727, OMIM 256050.
Diastrophic dysplasia (DTD). Also called: Diastrophic dwarfism. Identifiers: Orphanet 628, MedGen C0220726, MONDO:0009107, OMIM 222600.

Allele frequency attached by ClinVar (database versions not stated): gnomAD exomes below 0.00001.
gnomAD v4.1: 4 of 1,614,074 alleles (0.00025%); highest among the groups gnomAD compares: African/African-American, 0.0053%; no homozygotes.

Submission:

Labcorp Genetics (formerly Invitae), Labcorp
Classification: Uncertain significance for Atelosteogenesis type II; Multiple epiphyseal dysplasia type 4; Achondrogenesis, type IB; Diastrophic dysplasia. Last evaluated: 2023-11-27. Review status: criteria provided, single submitter. Criteria: Invitae Variant Classification Sherloc (09022015). Collection method: clinical testing. Allele origin: germline.
Comment: This sequence change replaces leucine, which is neutral and non-polar, with valine, which is neutral and non-polar, at codon 469 of the SLC26A2 protein (p.Leu469Val). This variant is not present in population databases (gnomAD no frequency). This variant has not been reported in the literature in individuals affected with SLC26A2-related conditions. ClinVar contains an entry for this variant (Variation ID: 2173314). Advanced modeling of protein sequence and biophysical properties (such as structural, functional, and spatial information, amino acid conservation, physicochemical variation, residue mobility, and thermodynamic stability) performed at Invitae indicates that this missense variant is not expected to disrupt SLC26A2 protein function with a negative predictive value of 80%. In summary, the available evidence is currently insufficient to determine the role of this variant in disease. Therefore, it has been classified as a Variant of Uncertain Significance.

NM_000112.4(SLC26A2):c.1405C>G (p.Leu469Val)

Gene: SLC26A2 (solute carrier family 26 member 2; plus strand). Cytogenetic location: 5q32.
Variant type: single nucleotide variant.
Coding change: c.1405C>G on transcript NM_000112.4 (MANE Select); coding-DNA position 1405, C replaced by G.
Protein change: p.Leu469Val; replaces leucine 469 with valine.
Molecular consequence: missense variant.
Genome position (GRCh38, 1-based): chr5:149,980,998, C>G. VCF-style: chr5-149980998-C-G. GRCh37 (hg19) VCF-style: chr5-149360561-C-G.
Other names: short protein forms L469V.
Identifiers: ClinVar variation 2173314 (VCV002173314.4), dbSNP rs1326501763, ClinGen allele CA361707800.